The following is an entry in ClinVar:

NM_024101.7(MLPH):c.1690T>C (p.Ser564Pro)

Gene: MLPH (melanophilin; plus strand). Cytogenetic location: 2q37.3.
Variant type: single nucleotide variant.
Coding change: c.1690T>C on transcript NM_024101.7 (MANE Select); coding-DNA position 1690, T replaced by C.
Protein change: p.Ser564Pro; replaces serine 564 with proline.
Molecular consequence: missense variant. On other transcripts: non-coding transcript variant (1).
Genome position (GRCh38, 1-based): chr2:237,552,351, T>C. VCF-style: chr2-237552351-T-C. GRCh37 (hg19) VCF-style: chr2-238460994-T-C.
Other names: c.1606T>C, p.Ser536Pro (NM_001042467.3); c.1330T>C, p.Ser444Pro (NM_001281473.2); c.1261T>C, p.Ser421Pro (NM_001281474.2); short protein forms S536P, S564P, S421P, S444P.
Identifiers: ClinVar variation 4727959 (VCV004727959.1).

ClinVar aggregate classification (germline): Uncertain significance (1 of 4 stars; one submission).

gnomAD v4.1: 2 of 1,614,126 alleles (0.00012%); highest among the groups gnomAD compares: East Asian, 0.0022%; no homozygotes.

Submission:

Labcorp Genetics (formerly Invitae), Labcorp
Classification: Uncertain significance. Last evaluated: 2025-10-04. Review status: criteria provided, single submitter. Criteria: Invitae Variant Classification Sherloc (09022015). Collection method: clinical testing. Allele origin: germline.
Comment: This sequence change replaces serine, which is neutral and polar, with proline, which is neutral and non-polar, at codon 564 of the MLPH protein (p.Ser564Pro). This variant is not present in population databases (gnomAD no frequency). This variant has not been reported in the literature in individuals affected with MLPH-related conditions. An algorithm developed to predict the effect of missense changes on protein structure and function outputs the following: PolyPhen-2: "Benign". The proline amino acid residue is found in multiple mammalian species, which suggests that this missense change does not adversely affect protein function. In summary, the available evidence is currently insufficient to determine the role of this variant in disease. Therefore, it has been classified as a Variant of Uncertain Significance.